The following is an entry in ClinVar:

ClinVar aggregate classification (germline): Uncertain significance (1 of 4 stars; one submission).

Conditions:
Epidermolysis bullosa simplex 5C, with pyloric atresia (EBS5C). Also called: PLEC1-Related Epidermolysis Bullosa with Pyloric Atresia; Epidermolysis bullosa simplex with pyloric atresia; PLEC-Related Epidermolysis Bullosa with Pyloric Atresia. Identifiers: Orphanet 158684, MedGen C2677349, MONDO:0012807, OMIM 612138.
Autosomal recessive limb-girdle muscular dystrophy type 2Q (LGMDR17). Also called: MUSCULAR DYSTROPHY, LIMB-GIRDLE, AUTOSOMAL RECESSIVE 17. Identifiers: Orphanet 254361, MedGen C3150989, MONDO:0013390, OMIM 613723.
Epidermolysis bullosa simplex with nail dystrophy (EBS5D). Identifiers: MedGen C4225309, MONDO:0014661, OMIM 616487.
Epidermolysis bullosa simplex 5B, with muscular dystrophy (EBS5B). Also called: Epidermolysis bullosa simplex with muscular dystrophy; EPIDERMOLYSIS BULLOSA SIMPLEX AND LIMB-GIRDLE MUSCULAR DYSTROPHY. Identifiers: Orphanet 257, MedGen C2931072, MONDO:0009181, OMIM 226670.
Epidermolysis bullosa simplex, Ogna type (EBS5A). Also called: EPIDERMOLYSIS BULLOSA SIMPLEX 5A, OGNA TYPE; Pidermolysis bullosa simplex 5A, Ogna type. Identifiers: Orphanet 79401, MedGen C0432317, MONDO:0007555, OMIM 131950.

Allele frequency attached by ClinVar (database versions not stated): TOPMed 0.00004; gnomAD 0.00007.
gnomAD v4.1: 98 of 1,548,620 alleles (0.0063%); highest among the groups gnomAD compares: East Asian, 0.0096%; no homozygotes.

Submission:

Labcorp Genetics (formerly Invitae), Labcorp
Classification: Uncertain significance for Autosomal recessive limb-girdle muscular dystrophy type 2Q; Epidermolysis bullosa simplex, Ogna type; Epidermolysis bullosa simplex with nail dystrophy; Epidermolysis bullosa simplex 5C, with pyloric atresia; Epidermolysis bullosa simplex 5B, with muscular dystrophy. Last evaluated: 2026-01-13. Review status: criteria provided, single submitter. Criteria: Invitae Variant Classification Sherloc (09022015). Collection method: clinical testing. Allele origin: germline.
Comment: This sequence change replaces alanine, which is neutral and non-polar, with valine, which is neutral and non-polar, at codon 1554 of the PLEC protein (p.Ala1554Val). This variant is present in population databases (rs782569624, gnomAD 0.08%). This variant has not been reported in the literature in individuals affected with PLEC-related conditions. ClinVar contains an entry for this variant (Variation ID: 843119). Experimental studies and prediction algorithms are not available or were not evaluated, and the functional significance of this variant is currently unknown. In summary, the available evidence is currently insufficient to determine the role of this variant in disease. Therefore, it has been classified as a Variant of Uncertain Significance.

NM_201384.3(PLEC):c.4580C>T (p.Ala1527Val)

Gene: PLEC (plectin; minus strand). Cytogenetic location: 8q24.3.
Variant type: single nucleotide variant.
Coding change: c.4580C>T on transcript NM_201384.3 (MANE Select); coding-DNA position 4580, C replaced by T.
Protein change: p.Ala1527Val; replaces alanine 1527 with valine.
Molecular consequence: missense variant.
Genome position (GRCh38, 1-based): chr8:143,925,349, G>A on the plus strand (C>T on the coding strand, the complement: PLEC is on the minus strand). VCF-style: chr8-143925349-G-A. GRCh37 (hg19) VCF-style: chr8-144999517-G-A.
Other names: c.4661C>T, p.Ala1554Val (NM_000445.5); c.4538C>T, p.Ala1513Val (NM_201378.4); c.4514C>T, p.Ala1505Val (NM_201379.3); c.4991C>T, p.Ala1664Val (NM_201380.4); c.4484C>T, p.Ala1495Val (NM_201381.3); c.4580C>T, p.Ala1527Val (NM_201382.4); c.4592C>T, p.Ala1531Val (NM_201383.3); short protein forms A1505V, A1513V, A1495V, A1527V, A1531V, A1554V, A1664V.
Identifiers: ClinVar variation 843119 (VCV000843119.6), dbSNP rs782569624, ClinGen allele CA4926613.